The following is an entry in ClinVar:

ClinVar aggregate classification (germline): Conflicting classifications of pathogenicity. Review status: criteria provided, conflicting classifications (1 of 4 stars). 2 submissions from 2 submitters: Likely pathogenic (1); Uncertain significance (1). Last evaluated 2023-11-09.

Conditions:
Niemann-Pick disease, type C1. Also called: NIEMANN-PICK DISEASE, VARIANT TYPE C1; NEUROVISCERAL STORAGE DISEASE WITH VERTICAL SUPRANUCLEAR OPHTHALMOPLEGIA; NIEMANN-PICK DISEASE WITH CHOLESTEROL ESTERIFICATION BLOCK; NIEMANN-PICK DISEASE WITHOUT SPHINGOMYELINASE DEFICIENCY; NIEMANN-PICK DISEASE, CHRONIC NEURONOPATHIC FORM. Identifiers: Orphanet 646, MedGen C3179455, MONDO:0009757, OMIM 257220.

Allele frequency attached by ClinVar (database versions not stated): gnomAD 0.00001 and 0.00002; ExAC 0.00002; gnomAD exomes 0.00002 and 0.00003; TOPMed 0.00004.
gnomAD v4.1: 42 of 1,613,900 alleles (0.0026%); highest among the groups gnomAD compares: African/African-American, 0.004%; no homozygotes.

Submissions (2):

Revvity Omics, Revvity
Classification: Uncertain significance for Niemann-Pick disease, type C1. Last evaluated: 2023-11-09. Review status: criteria provided, single submitter. Criteria: ACMG Guidelines, 2015. Collection method: clinical testing. Allele origin: germline.

Labcorp Genetics (formerly Invitae), Labcorp
Classification: Likely pathogenic for Niemann-Pick disease, type C1. Last evaluated: 2022-08-13. Review status: criteria provided, single submitter. Criteria: Invitae Variant Classification Sherloc (09022015). Collection method: clinical testing. Allele origin: germline.
Comment: This sequence change replaces arginine, which is basic and polar, with histidine, which is basic and polar, at codon 978 of the NPC1 protein (p.Arg978His). This variant is present in population databases (rs752728865, gnomAD 0.008%). This variant has not been reported in the literature in individuals affected with NPC1-related conditions. ClinVar contains an entry for this variant (Variation ID: 1512551). Advanced modeling of protein sequence and biophysical properties (such as structural, functional, and spatial information, amino acid conservation, physicochemical variation, residue mobility, and thermodynamic stability) performed at Invitae indicates that this missense variant is expected to disrupt NPC1 protein function. Algorithms developed to predict the effect of sequence changes on RNA splicing suggest that this variant may create or strengthen a splice site. This variant disrupts the p.Arg978 amino acid residue in NPC1. Other variant(s) that disrupt this residue have been determined to be pathogenic (PMID: 11479732, 15459971, 20718790, 26984608). This suggests that this residue is clinically significant, and that variants that disrupt this residue are likely to be disease-causing. In summary, the currently available evidence indicates that the variant is pathogenic, but additional data are needed to prove that conclusively. Therefore, this variant has been classified as Likely Pathogenic.

Literature cited by the submitters: PubMed 11479732 (cited by Labcorp Genetics (formerly Invitae), Labcorp); PubMed 15459971 (cited by Labcorp Genetics (formerly Invitae), Labcorp); PubMed 20718790 (cited by Labcorp Genetics (formerly Invitae), Labcorp); PubMed 26984608 (cited by Labcorp Genetics (formerly Invitae), Labcorp).

NM_000271.5(NPC1):c.2933G>A (p.Arg978His)

Gene: NPC1 (NPC intracellular cholesterol transporter 1; minus strand). Cytogenetic location: 18q11.2.
Variant type: single nucleotide variant.
Coding change: c.2933G>A on transcript NM_000271.5 (MANE Select); coding-DNA position 2933, G replaced by A.
Protein change: p.Arg978His; replaces arginine 978 with histidine.
Molecular consequence: missense variant.
Genome position (GRCh38, 1-based): chr18:23,538,650, C>T on the plus strand (G>A on the coding strand, the complement: NPC1 is on the minus strand). VCF-style: chr18-23538650-C-T. GRCh37 (hg19) VCF-style: chr18-21118614-C-T.
Other names: c.2933G>A (NM_000271.4); short protein forms R978H.
Identifiers: ClinVar variation 1512551 (VCV001512551.5), dbSNP rs752728865, ClinGen allele CA8912907.